The following is an entry in ClinVar:

NM_000093.5(COL5A1):c.3428C>T (p.Pro1143Leu)

Gene: COL5A1 (collagen type V alpha 1 chain; plus strand). Cytogenetic location: 9q34.3.
Variant type: single nucleotide variant.
Coding change: c.3428C>T on transcript NM_000093.5 (MANE Select); coding-DNA position 3428, C replaced by T.
Protein change: p.Pro1143Leu; replaces proline 1143 with leucine.
Molecular consequence: missense variant.
Genome position (GRCh38, 1-based): chr9:134,809,244, C>T. VCF-style: chr9-134809244-C-T. GRCh37 (hg19) VCF-style: chr9-137701090-C-T.
Other names: c.3428C>T, p.Pro1143Leu (NM_001278074.1); short protein forms P1143L.
Identifiers: ClinVar variation 264045 (VCV000264045.94), dbSNP rs540131206, ClinGen allele CA5319852.

ClinVar aggregate classification (germline): Conflicting classifications of pathogenicity. Review status: criteria provided, conflicting classifications (1 of 4 stars). 5 submissions from 5 submitters: Uncertain significance (3); Benign (1); Likely benign (1). Last evaluated 2025-12-31.

Conditions:
Ehlers-Danlos syndrome, classic type, 1 (EDSCL1). Also called: EDS I; EHLERS-DANLOS SYNDROME, GRAVIS TYPE; EHLERS-DANLOS SYNDROME, SEVERE CLASSIC TYPE; Ehlers-Danlos syndrome, type 1; Ehlers-Danlos Syndrome, Classic Type, COL5A1-Related. Identifiers: MedGen C0268335, MONDO:0019567, OMIM 130000.
Familial thoracic aortic aneurysm and aortic dissection (TAAD). Also called: Thoracic aortic aneurysms and dissections. Identifiers: Orphanet 91387, MedGen C4707243, MONDO:0019625.

Allele frequency attached by ClinVar (database versions not stated): TOPMed 0.00002; gnomAD 0.00003; gnomAD exomes 0.00003; ExAC 0.00006.
gnomAD v4.1: 49 of 1,608,164 alleles (0.003%); highest among the groups gnomAD compares: East Asian, 0.0067%; no homozygotes.

Submissions (5):

Labcorp Genetics (formerly Invitae), Labcorp
Classification: Benign for Ehlers-Danlos syndrome, classic type, 1. Last evaluated: 2025-12-31. Review status: criteria provided, single submitter. Criteria: Invitae Variant Classification Sherloc (09022015). Collection method: clinical testing. Allele origin: germline.

CeGaT Center for Human Genetics Tuebingen
Classification: Likely benign. Last evaluated: 2024-09-01. Review status: criteria provided, single submitter. Criteria: CeGaT Center For Human Genetics Tuebingen Variant Classification Criteria Version 2. Collection method: clinical testing. Allele origin: germline. Affected: yes. Observed: 2 variant alleles.
Comment: COL5A1: PP3, BS1

GeneDx
Classification: Uncertain significance. Last evaluated: 2021-06-08. Review status: criteria provided, single submitter. Criteria: GeneDx Variant Classification Process June 2021. Collection method: clinical testing. Allele origin: germline. Affected: yes.
Comment: Has not been previously published as pathogenic or benign to our knowledge; In silico analysis supports that this missense variant has a deleterious effect on protein structure/function; Occurs in the triple helical domain at the Y position in the canonical Gly-X-Y repeat; although this variant may have an effect on normal protein folding and function, missense substitution at the Y position is not a common mechanism of disease (Symoens et al., 2012; Stenson et al., 2014); Reported in ClinVar as a variant of uncertain significance (ClinVar Variant ID# 264045; Landrum et al., 2016); This variant is associated with the following publications: (PMID: 27535533, 26582918)

Ambry Genetics
Classification: Uncertain significance for Familial thoracic aortic aneurysm and aortic dissection. Last evaluated: 2016-03-18. Review status: criteria provided, single submitter. Criteria: Ambry Variant Classification Scheme 2023. Collection method: clinical testing. Allele origin: germline.
Comment: The p.P1143L variant (also known as c.3428C>T), located in coding exon 43 of the COL5A1 gene, results from a C to T substitution at nucleotide position 3428. The proline at codon 1143 is replaced by leucine, an amino acid with a few similar properties. This variant was previously reported in the SNPDatabase as rs540131206. Based on data from ExAC, the T allele has an overall frequency of approximately 0.006% (4/64474). The highest observed frequency was 0.02% (1/4912) of East Asian alleles (Exome Aggregation Consortium (ExAC), Cambridge, MA (URL) [Accessed March 18, 2016]). This variant was not reported in population based cohorts in the following databases: NHLBI Exome Sequencing Project (ESP) and 1000 Genomes Project. In the ESP, this variant was not observed in 6495 samples (12990 alleles) with coverage at this position. This amino acid position is highly conserved in available vertebrate species. In addition, this alteration is predicted to be deleterious by in silico analysis. Since supporting evidence is limited at this time, the clinical significance of this variant remains unclear.

Eurofins Ntd Llc (ga)
Classification: Uncertain significance. Last evaluated: 2015-12-28. Review status: criteria provided, single submitter. Criteria: EGL Classification Definitions 2015. Collection method: clinical testing. Allele origin: germline. Observed: 2 variant alleles, 2 heterozygotes.